The following is an entry in ClinVar:

ClinVar aggregate classification (germline): Conflicting classifications of pathogenicity. Review status: criteria provided, conflicting classifications (1 of 4 stars). 2 submissions from 2 submitters: Likely pathogenic (1); Uncertain significance (1). Last evaluated 2022-10-03.

Conditions:
Intellectual developmental disorder, autosomal dominant 42. Also called: GNB1 Encephalopathy; Intellectual disability, autosomal dominant 42; Global developmental delay-neuro-ophthalmological abnormalities-seizures-intellectual disability syndrome. Identifiers: Orphanet 488613, MedGen C4310774, MONDO:0014855, OMIM 616973.

Submissions (2):

Labcorp Genetics (formerly Invitae), Labcorp
Classification: Uncertain significance. Last evaluated: 2022-10-03. Review status: criteria provided, single submitter. Criteria: Invitae Variant Classification Sherloc (09022015). Collection method: clinical testing. Allele origin: germline.
Comment: This variant is not present in population databases (gnomAD no frequency). In summary, the available evidence is currently insufficient to determine the role of this variant in disease. Therefore, it has been classified as a Variant of Uncertain Significance. Advanced modeling of protein sequence and biophysical properties (such as structural, functional, and spatial information, amino acid conservation, physicochemical variation, residue mobility, and thermodynamic stability) performed at Invitae indicates that this missense variant is expected to disrupt GNB1 protein function. ClinVar contains an entry for this variant (Variation ID: 1285499). This variant has not been reported in the literature in individuals affected with GNB1-related conditions. This sequence change replaces aspartic acid, which is acidic and polar, with asparagine, which is neutral and polar, at codon 163 of the GNB1 protein (p.Asp163Asn).

Institute of Human Genetics, University of Leipzig Medical Center
Classification: Likely pathogenic for Intellectual developmental disorder, autosomal dominant 42. Last evaluated: 2021-01-19. Review status: criteria provided, single submitter. Criteria: ACMG Guidelines, 2015. Collection method: clinical testing. Allele origin: de novo. Affected: yes.
Comment: This variant was identified as de novo (maternity and paternity confirmed).

NM_002074.5(GNB1):c.487G>A (p.Asp163Asn)

Gene: GNB1 (G protein subunit beta 1; minus strand). Cytogenetic location: 1p36.33.
Variant type: single nucleotide variant.
Coding change: c.487G>A on transcript NM_002074.5 (MANE Select); coding-DNA position 487, G replaced by A.
Protein change: p.Asp163Asn; replaces aspartic acid 163 with asparagine.
Molecular consequence: missense variant.
Genome position (GRCh38, 1-based): chr1:1,793,255, C>T on the plus strand (G>A on the coding strand, the complement: GNB1 is on the minus strand). VCF-style: chr1-1793255-C-T. GRCh37 (hg19) VCF-style: chr1-1724694-C-T.
Other names: c.187G>A, p.Asp63Asn (NM_001282538.2); c.487G>A, p.Asp163Asn (NM_001282539.2); short protein forms D163N, D63N.
Identifiers: ClinVar variation 1285499 (VCV001285499.7), dbSNP rs2100546220, ClinGen allele CA337908225.